The following is an entry in ClinVar:

NM_001128840.3(CACNA1D):c.678C>G (p.His226Gln)

Gene: CACNA1D (calcium voltage-gated channel subunit alpha1 D; plus strand). Cytogenetic location: 3p21.1.
Variant type: single nucleotide variant.
Coding change: c.678C>G on transcript NM_001128840.3 (MANE Select); coding-DNA position 678, C replaced by G.
Protein change: p.His226Gln; replaces histidine 226 with glutamine.
Molecular consequence: missense variant.
Genome position (GRCh38, 1-based): chr3:53,660,187, C>G. VCF-style: chr3-53660187-C-G. GRCh37 (hg19) VCF-style: chr3-53694214-C-G.
Other names: c.678C>G, p.His226Gln (NM_000720.4, NM_001128839.3); short protein forms H226Q.
Identifiers: ClinVar variation 2011370 (VCV002011370.4), dbSNP rs2094189810, ClinGen allele CA353382482.
Genomic context (GRCh38, chr3:53,660,187, plus strand): 5'-TTTCAGATTGTTTAGTGTAATTTTGGAACAATTAACCAAAGAAACAGAAGGCGGGAACCA[C>G]TCAAGCGGCAAATCTGGAGGCTTTGATGTCAAAGCCCTCCGTGCCTTTCGAGTGTTGCGA-3'
Protein context (NP_001122312.1, residues 216-236): QLTKETEGGN[His226Gln]SSGKSGGFDV

ClinVar aggregate classification (germline): Uncertain significance (1 of 4 stars; one submission).

Submission:

Labcorp Genetics (formerly Invitae), Labcorp
Classification: Uncertain significance. Last evaluated: 2022-06-27. Review status: criteria provided, single submitter. Criteria: Invitae Variant Classification Sherloc (09022015). Collection method: clinical testing. Allele origin: germline.
Comment: In summary, the available evidence is currently insufficient to determine the role of this variant in disease. Therefore, it has been classified as a Variant of Uncertain Significance. Algorithms developed to predict the effect of missense changes on protein structure and function (SIFT, PolyPhen-2, Align-GVGD) all suggest that this variant is likely to be tolerated. This variant has not been reported in the literature in individuals affected with CACNA1D-related conditions. This variant is not present in population databases (gnomAD no frequency). This sequence change replaces histidine, which is basic and polar, with glutamine, which is neutral and polar, at codon 226 of the CACNA1D protein (p.His226Gln).